The following is an entry in ClinVar:

ClinVar aggregate classification (germline): Uncertain significance. Review status: criteria provided, multiple submitters, no conflicts (2 of 4 stars). 2 submissions from 2 submitters: Uncertain significance (2). Last evaluated 2024-07-16.

Conditions:
Long QT syndrome (LQTS). Identifiers: MedGen C0023976, MeSH D008133, MONDO:0002442. Disease mechanism: loss of function. Inheritance: Various modes of inheritance.

Submissions (2):

Labcorp Genetics (formerly Invitae), Labcorp
Classification: Uncertain significance for Long QT syndrome. Last evaluated: 2024-07-16. Review status: criteria provided, single submitter. Criteria: Invitae Variant Classification Sherloc (09022015). Collection method: clinical testing. Allele origin: germline.
Comment: This sequence change replaces alanine, which is neutral and non-polar, with serine, which is neutral and polar, at codon 350 of the KCNH2 protein (p.Ala350Ser). This variant is not present in population databases (gnomAD no frequency). This variant has not been reported in the literature in individuals affected with KCNH2-related conditions. An algorithm developed to predict the effect of missense changes on protein structure and function (PolyPhen-2) suggests that this variant is likely to be tolerated. In summary, the available evidence is currently insufficient to determine the role of this variant in disease. Therefore, it has been classified as a Variant of Uncertain Significance.

All of Us Research Program, National Institutes of Health
Classification: Uncertain significance for Long QT syndrome. Last evaluated: 2024-03-24. Review status: criteria provided, single submitter. Criteria: ACMG Guidelines, 2015. Collection method: clinical testing. Allele origin: germline. Inheritance: Autosomal dominant inheritance. Observed: 1 variant allele, 1 heterozygote.
Comment: This missense variant replaces alanine with serine at codon 350 of the KCNH2 protein. Computational prediction suggests that this variant may not impact protein structure and function (internally defined REVEL score threshold <= 0.5, PMID: 27666373). To our knowledge, functional studies have not been reported for this variant. This variant has not been reported in individuals affected with KCNH2-related disorders in the literature. This variant has not been identified in the general population by the Genome Aggregation Database (gnomAD). The available evidence is insufficient to determine the role of this variant in disease conclusively. Therefore, this variant is classified as a Variant of Uncertain Significance.

This study involves interpretation of variants in research participants for the purpose of population health screening. Participant phenotype was not available at the time of variant classification. Additional details can be found in publication PMID: 35346344, PMCID: PMC8962531

NM_000238.4(KCNH2):c.1048G>T (p.Ala350Ser)

Gene: KCNH2 (potassium voltage-gated channel subfamily H member 2; minus strand). Cytogenetic location: 7q36.1.
Variant type: single nucleotide variant.
Coding change: c.1048G>T on transcript NM_000238.4 (MANE Select); coding-DNA position 1048, G replaced by T.
Protein change: p.Ala350Ser; replaces alanine 350 with serine.
Molecular consequence: missense variant. On other transcripts: non-coding transcript variant (1).
Genome position (GRCh38, 1-based): chr7:150,957,371, C>A on the plus strand (G>T on the coding strand, the complement: KCNH2 is on the minus strand). VCF-style: chr7-150957371-C-A. GRCh37 (hg19) VCF-style: chr7-150654459-C-A.
Other names: c.760G>T, p.Ala254Ser (NM_001406753.1, NM_001406756.1); c.871G>T, p.Ala291Ser (NM_001406755.1); c.748G>T, p.Ala250Ser (NM_001406757.1); c.1048G>T, p.Ala350Ser (NM_172056.3); short protein forms A250S, A254S, A291S, A350S.
Identifiers: ClinVar variation 3386908 (VCV003386908.3).